The following is an entry in ClinVar:

ClinVar aggregate classification (germline): Uncertain significance (1 of 4 stars; one submission).

Conditions:
Baller-Gerold syndrome (BGS). Also called: CRANIOSYNOSTOSIS WITH RADIAL DEFECTS. Identifiers: Orphanet 1225, MedGen C0265308, MONDO:0009039, OMIM 218600.

gnomAD v4.1: 14 of 1,570,078 alleles (0.00089%); highest among the groups gnomAD compares: Non-Finnish European, 0.0012%; no homozygotes.

Submission:

Labcorp Genetics (formerly Invitae), Labcorp
Classification: Uncertain significance for Baller-Gerold syndrome. Last evaluated: 2022-08-18. Review status: criteria provided, single submitter. Criteria: Invitae Variant Classification Sherloc (09022015). Collection method: clinical testing. Allele origin: germline.
Comment: This sequence change replaces valine, which is neutral and non-polar, with leucine, which is neutral and non-polar, at codon 874 of the RECQL4 protein (p.Val874Leu). This variant is not present in population databases (gnomAD no frequency). This variant has not been reported in the literature in individuals affected with RECQL4-related conditions. ClinVar contains an entry for this variant (Variation ID: 645313). In summary, the available evidence is currently insufficient to determine the role of this variant in disease. Therefore, it has been classified as a Variant of Uncertain Significance.

NM_004260.4(RECQL4):c.2620G>C (p.Val874Leu)

Gene: RECQL4 (RecQ like helicase 4; minus strand). Cytogenetic location: 8q24.3.
Variant type: single nucleotide variant.
Coding change: c.2620G>C on transcript NM_004260.4 (MANE Select); coding-DNA position 2620, G replaced by C.
Protein change: p.Val874Leu; replaces valine 874 with leucine.
Molecular consequence: missense variant.
Genome position (GRCh38, 1-based): chr8:144,512,982, C>G on the plus strand (G>C on the coding strand, the complement: RECQL4 is on the minus strand). VCF-style: chr8-144512982-C-G. GRCh37 (hg19) VCF-style: chr8-145738365-C-G.
Other names: short protein forms V874L.
Identifiers: ClinVar variation 645313 (VCV000645313.5), dbSNP rs1554897651, ClinGen allele CA372676825.